The following is an entry in ClinVar:

ClinVar aggregate classification (germline): Uncertain significance (1 of 4 stars; one submission).

gnomAD v4.1: 2 of 1,613,590 alleles (0.00012%); highest among the groups gnomAD compares: Non-Finnish European, 0.00017%; no homozygotes.

Submission:

CeGaT Center for Human Genetics Tuebingen
Classification: Uncertain significance. Last evaluated: 2024-10-01. Review status: criteria provided, single submitter. Criteria: CeGaT Center For Human Genetics Tuebingen Variant Classification Criteria Version 2. Collection method: clinical testing. Allele origin: germline. Affected: yes. Observed: 1 variant allele.
Comment: USP8: PM2, PM3:Supporting

NM_005154.5(USP8):c.2861T>C (p.Leu954Pro)

Genes: USP50 (ubiquitin specific peptidase 50; minus strand), USP8 (ubiquitin specific peptidase 8; plus strand). Cytogenetic location: 15q21.2.
Variant type: single nucleotide variant.
Coding change: c.2861T>C on transcript NM_005154.5 (MANE Select); coding-DNA position 2861, T replaced by C.
Protein change: p.Leu954Pro; replaces leucine 954 with proline.
Molecular consequence: missense variant.
Genome position (GRCh38, 1-based): chr15:50,496,050, T>C. VCF-style: chr15-50496050-T-C. GRCh37 (hg19) VCF-style: chr15-50788247-T-C.
Other names: c.2861T>C, p.Leu954Pro (NM_001128610.3); c.2543T>C, p.Leu848Pro (NM_001283049.2); short protein forms L848P, L954P.
Identifiers: ClinVar variation 3389117 (VCV003389117.14).